The following is an entry in ClinVar:

NM_000455.5(STK11):c.277G>A (p.Ala93Thr)

Gene: STK11 (serine/threonine kinase 11; plus strand). Cytogenetic location: 19p13.3.
Variant type: single nucleotide variant.
Coding change: c.277G>A on transcript NM_000455.5 (MANE Select); coding-DNA position 277, G replaced by A.
Protein change: p.Ala93Thr; replaces alanine 93 with threonine.
Molecular consequence: missense variant.
Genome position (GRCh38, 1-based): chr19:1,207,190, G>A. VCF-style: chr19-1207190-G-A. GRCh37 (hg19) VCF-style: chr19-1207189-G-A.
Other names: short protein forms A93T.
Identifiers: ClinVar variation 821799 (VCV000821799.13), dbSNP rs1288388685, ClinGen allele CA402944610.

ClinVar aggregate classification (germline): Uncertain significance. Review status: criteria provided, multiple submitters, no conflicts (2 of 4 stars). 3 submissions from 3 submitters: Uncertain significance (3). Last evaluated 2021-08-26.

Conditions:
Hereditary cancer-predisposing syndrome. Also called: Hereditary Cancer Syndrome; Neoplastic Syndromes, Hereditary; Hereditary neoplastic syndrome; Tumor predisposition. Identifiers: Orphanet 140162, MedGen C0027672, MeSH D009386, MONDO:0015356.
Peutz-Jeghers syndrome (PJS). Also called: Peutz-Jeghers polyposis; Periorificial lentiginosis syndrome; POLYPOSIS, HAMARTOMATOUS INTESTINAL; POLYPS-AND-SPOTS SYNDROME. Identifiers: Orphanet 2869, MedGen C0031269, MeSH D010580, MONDO:0008280, OMIM 175200.

Allele frequency attached by ClinVar (database versions not stated): gnomAD exomes below 0.00001; gnomAD 0.00001.
gnomAD v4.1: 3 of 1,605,102 alleles (0.00019%); no homozygotes.

Submissions (3):

Labcorp Genetics (formerly Invitae), Labcorp
Classification: Uncertain significance for Peutz-Jeghers syndrome. Last evaluated: 2021-08-26. Review status: criteria provided, single submitter. Criteria: Invitae Variant Classification Sherloc (09022015). Collection method: clinical testing. Allele origin: germline.
Comment: This sequence change replaces alanine with threonine at codon 93 of the STK11 protein (p.Ala93Thr). The alanine residue is highly conserved and there is a small physicochemical difference between alanine and threonine. This variant is not present in population databases (ExAC no frequency). This variant has not been reported in the literature in individuals affected with STK11-related conditions. Algorithms developed to predict the effect of missense changes on protein structure and function (SIFT, PolyPhen-2, Align-GVGD) all suggest that this variant is likely to be tolerated. In summary, the available evidence is currently insufficient to determine the role of this variant in disease. Therefore, it has been classified as a Variant of Uncertain Significance.

Genome-Nilou Lab
Classification: Uncertain significance for Peutz-Jeghers syndrome. Last evaluated: 2021-07-15. Review status: criteria provided, single submitter. Criteria: ACMG Guidelines, 2015. Collection method: clinical testing. Allele origin: germline. Affected: no.

Ambry Genetics
Classification: Uncertain significance for Hereditary cancer-predisposing syndrome. Last evaluated: 2019-03-20. Review status: criteria provided, single submitter. Criteria: Ambry Variant Classification Scheme 2023. Collection method: clinical testing. Allele origin: germline.
Comment: The p.A93T variant (also known as c.277G>A), located in coding exon 1 of the STK11 gene, results from a G to A substitution at nucleotide position 277. The alanine at codon 93 is replaced by threonine, an amino acid with similar properties. This amino acid position is highly conserved in available vertebrate species. In addition, the in silico prediction for this alteration is inconclusive. Since supporting evidence is limited at this time, the clinical significance of this alteration remains unclear.